The following is an entry in ClinVar:

NM_001360.3(DHCR7):c.626+15G>A

Gene: DHCR7 (7-dehydrocholesterol reductase; minus strand). Cytogenetic location: 11q13.4.
Variant type: single nucleotide variant.
Coding change: c.626+15G>A on transcript NM_001360.3 (MANE Select); 15 bases into the intron after coding-DNA position 626, G replaced by A.
Molecular consequence: intron variant.
Genome position (GRCh38, 1-based): chr11:71,441,212, C>T on the plus strand (G>A on the coding strand, the complement: DHCR7 is on the minus strand). VCF-style: chr11-71441212-C-T. GRCh37 (hg19) VCF-style: chr11-71152258-C-T.
Other names: p.?; c.626+15G>A (NM_001163817.2).
Identifiers: ClinVar variation 93721 (VCV000093721.44), dbSNP rs736894, ClinGen allele CA147252.
Genomic context (GRCh38, chr11:71,441,212, plus strand): 5'-CCCCAGGCAGCAAGAAAGGCCAGGGGTGAAGTTTGCACTTTCTACATCAGGCTGGACCCG[C>T]TGCTAAGAACATACCAGTCTCTGGCGCTGGTGGGGAAGAAGTAGCCCTTGACCATGGCGA-3'

ClinVar aggregate classification (germline): Benign. Review status: criteria provided, multiple submitters, no conflicts (2 of 4 stars). 14 submissions from 14 submitters: Benign (11). 3 of the submissions do not count toward it. Last evaluated 2026-02-04.

Conditions:
Smith-Lemli-Opitz syndrome (SLOS). Also called: 7-Dehydrocholesterol reductase deficiency; LETHAL ACRODYSGENITAL SYNDROME; POLYDACTYLY, SEX REVERSAL, RENAL HYPOPLASIA, AND UNILOBAR LUNG; RSH SYNDROME; RUTLEDGE LETHAL MULTIPLE CONGENITAL ANOMALY SYNDROME. Identifiers: Orphanet 818, MedGen C0175694, MONDO:0010035, OMIM 270400.

Allele frequency attached by ClinVar (database versions not stated): gnomAD exomes 0.23451 and 0.29773; ESP Exome Variant Server 0.27980; TOPMed 0.29867; gnomAD 0.30458 and 0.30823; ExAC 0.30860; 1000 Genomes Project 30x 0.38273; 1000 Genomes Project 0.39038.
gnomAD v4.1: 391,053 of 1,613,024 alleles (24%); highest among the groups gnomAD compares: South Asian, 47%; 55,153 homozygotes.

Submissions (14):

Labcorp Genetics (formerly Invitae), Labcorp
Classification: Benign for Smith-Lemli-Opitz syndrome. Last evaluated: 2026-02-04. Review status: criteria provided, single submitter. Criteria: Invitae Variant Classification Sherloc (09022015). Collection method: clinical testing. Allele origin: germline.

Blueprint Genetics
Classification: Benign. Last evaluated: 2024-11-27. Review status: criteria provided, single submitter. Criteria: ACMG Guidelines, 2015. Collection method: clinical testing. Allele origin: germline.

Mayo Clinic Laboratories, Mayo Clinic
Classification: Benign. Last evaluated: 2022-05-05. Review status: criteria provided, single submitter. Criteria: ACMG Guidelines, 2015. Collection method: clinical testing. Allele origin: germline. Observed: 251 variant alleles.

ARUP Laboratories, Molecular Genetics and Genomics, ARUP Laboratories
Classification: Benign for Smith-Lemli-Opitz syndrome. Last evaluated: 2021-10-05. Review status: criteria provided, single submitter. Criteria: ARUP Molecular Germline Variant Investigation Process 2021. Collection method: clinical testing. Allele origin: germline.

Genome-Nilou Lab
Classification: Benign for Smith-Lemli-Opitz syndrome. Last evaluated: 2021-07-01. Review status: criteria provided, single submitter. Criteria: ACMG Guidelines, 2015. Collection method: clinical testing. Allele origin: germline. Affected: no.

Eurofins Ntd Llc (ga)
Classification: Benign. Last evaluated: 2018-06-06. Review status: criteria provided, single submitter. Criteria: EGL ClinVar v180209 classification definitions. Collection method: clinical testing. Allele origin: germline. Observed: 19 variant alleles, 15 heterozygotes, 4 homozygotes.

Illumina Laboratory Services, Illumina
Classification: Benign for Smith-Lemli-Opitz syndrome. Last evaluated: 2018-01-13. Review status: criteria provided, single submitter. Criteria: ICSL Variant Classification Criteria 13 December 2019. Collection method: clinical testing. Allele origin: germline.
Comment: This variant was observed in the ICSL laboratory as part of a predisposition screen in an ostensibly healthy population. It had not been previously curated by ICSL or reported in the Human Gene Mutation Database (HGMD: prior to June 1st, 2018), and was therefore a candidate for classification through an automated scoring system. Utilizing variant allele frequency, disease prevalence and penetrance estimates, and inheritance mode, an automated score was calculated to assess if this variant is too frequent to cause the disease. Based on the score and internal cut-off values, a variant classified as benign is not then subjected to further curation. The score for this variant resulted in a classification of benign for this disease.

Laboratory for Molecular Medicine, Mass General Brigham Personalized Medicine
Classification: Benign. Last evaluated: 2016-03-21. Review status: criteria provided, single submitter. Criteria: LMM Criteria. Collection method: clinical testing. Allele origin: germline. Observed: 1 variant allele.
Comment: c.626+15G>A in intron 6 of DHCR7: This variant is not expected to have clinical significance because it is not located within the splice consensus sequence and has been identified in 47.31% (7809/16506) of South Asian chromosomes by the Exo me Aggregation Consortium (ExAC; dbSNP rs736894) .

GeneDx
Classification: Benign. Last evaluated: 2015-03-03. Review status: criteria provided, single submitter. Criteria: GeneDx Variant Classification Process June 2021. Collection method: clinical testing. Allele origin: germline. Affected: yes.

Breakthrough Genomics
Classification: Benign. Review status: criteria provided, single submitter. Criteria: ACMG Guidelines, 2015. Collection method: not provided. Allele origin: germline. Inheritance: Autosomal recessive inheritance. Affected: yes.

PreventionGenetics, part of Exact Sciences
Classification: Benign. Review status: criteria provided, single submitter. Criteria: ACMG Guidelines, 2015. Collection method: clinical testing. Allele origin: germline.

Natera, Inc.
Classification: Benign for Smith-Lemli-Opitz syndrome. Last evaluated: 2020-09-16. Review status: no assertion criteria provided. Collection method: clinical testing. Allele origin: germline. Not counted in ClinVar's aggregate classification.

Diagnostic Laboratory, Department of Genetics, University Medical Center Groningen
Classification: Benign. Review status: no assertion criteria provided. Collection method: clinical testing. Allele origin: germline. Affected: yes. Study: VKGL Data-share Consensus. Not counted in ClinVar's aggregate classification.

Joint Genome Diagnostic Labs from Nijmegen and Maastricht, Radboudumc and MUMC+
Classification: Benign. Review status: no assertion criteria provided. Collection method: clinical testing. Allele origin: germline. Affected: yes. Study: VKGL Data-share Consensus. Not counted in ClinVar's aggregate classification.